The following is an entry in ClinVar:

NM_001367868.2(PLIN4):c.2193C>T (p.Asp731=)

Gene: PLIN4 (perilipin 4; minus strand). Cytogenetic location: 19p13.3.
Variant type: single nucleotide variant.
Coding change: c.2193C>T on transcript NM_001367868.2 (MANE Select); coding-DNA position 2193, C replaced by T.
Protein change: p.Asp731=; no amino-acid change (aspartic acid 731 retained).
Molecular consequence: synonymous variant.
Genome position (GRCh38, 1-based): chr19:4,511,767, G>A on the plus strand (C>T on the coding strand, the complement: PLIN4 is on the minus strand). VCF-style: chr19-4511767-G-A. GRCh37 (hg19) VCF-style: chr19-4511779-G-A.
Other names: c.2196C>T, p.Asp732= (NM_001393888.1, NM_001393889.1); c.2193C>T, p.Asp731= (NM_001393890.1, NM_001393891.1).
Identifiers: ClinVar variation 4084368 (VCV004084368.8).

ClinVar aggregate classification (germline): Likely benign (1 of 4 stars; one submission).

Submission:

CeGaT Center for Human Genetics Tuebingen
Classification: Likely benign. Last evaluated: 2025-07-01. Review status: criteria provided, single submitter. Criteria: CeGaT Center For Human Genetics Tuebingen Variant Classification Criteria Version 2. Collection method: clinical testing. Allele origin: germline. Affected: yes. Observed: 1 variant allele.
Comment: PLIN4: PM2:Supporting, BP4, BP7